The following is an entry in ClinVar:

NM_000293.3(PHKB):c.2457del (p.Glu820fs)

Gene: PHKB (phosphorylase kinase regulatory subunit beta; plus strand). Cytogenetic location: 16q12.1.
Variant type: Deletion.
Coding change: c.2457del on transcript NM_000293.3 (MANE Select); coding-DNA position 2457, one base deleted (A; older notation c.2457delA).
Protein change: p.Glu820fs; shifts the reading frame from glutamic acid 820.
Molecular consequence: frameshift variant.
Genome position (GRCh38, 1-based): chr16:47,669,244, A deleted; the last of 2 consecutive A bases (chr16:47,669,243-47,669,244); deleting either gives the same sequence. VCF-style (leftmost placement, unchanged base first): chr16-47669242-GA-G. GRCh37 (hg19) VCF-style: chr16-47703153-GA-G.
Other names: p.Glu820Lysfs*11; c.2436del, p.Glu813fs (NM_001031835.3); c.2457del, p.Glu820fs (NM_001363837.1); short protein forms E813fs, E820fs.
Identifiers: ClinVar variation 817385 (VCV000817385.6), dbSNP rs1322527832, ClinGen allele CA721044284.
Genomic context (GRCh38, chr16:47,669,242, plus strand): 5'-GAGAATTTTACAATAAAATTCTGCCACTTGTAGGTAACTCTGGGTGCCTTTGGGCATGAA[GA>G]AGAAGTTATCTCTAATCCTTTGTCTCCAAGAGTGATTCAAAACATCATCTATTATAAGTG-3'

ClinVar aggregate classification (germline): Pathogenic/Likely pathogenic. Review status: criteria provided, multiple submitters, no conflicts (2 of 4 stars). 3 submissions from 3 submitters: Pathogenic (2); Likely pathogenic (1). Last evaluated 2024-12-23.

Conditions:
Glycogen storage disease IXb (GSD9B). Also called: GLYCOGENOSIS OF LIVER AND MUSCLE, AUTOSOMAL RECESSIVE; GSD IXb; PHOSPHORYLASE KINASE DEFICIENCY OF LIVER AND MUSCLE, AUTOSOMAL RECESSIVE. Identifiers: Orphanet 79240, MedGen C0543514, MONDO:0009868, OMIM 261750.

Submissions (3):

Labcorp Genetics (formerly Invitae), Labcorp
Classification: Pathogenic for Glycogen storage disease IXb. Last evaluated: 2024-12-23. Review status: criteria provided, single submitter. Criteria: Invitae Variant Classification Sherloc (09022015). Collection method: clinical testing. Allele origin: germline.
Comment: This sequence change creates a premature translational stop signal (p.Glu820Lysfs*11) in the PHKB gene. It is expected to result in an absent or disrupted protein product. Loss-of-function variants in PHKB are known to be pathogenic (PMID: 9215682, 9326319). This variant is not present in population databases (gnomAD no frequency). This variant has not been reported in the literature in individuals affected with PHKB-related conditions. ClinVar contains an entry for this variant (Variation ID: 817385). For these reasons, this variant has been classified as Pathogenic.

Mayo Clinic Laboratories, Mayo Clinic
Classification: Likely pathogenic. Last evaluated: 2023-03-29. Review status: criteria provided, single submitter. Criteria: ACMG Guidelines, 2015. Collection method: clinical testing. Allele origin: germline. Observed: 1 variant allele.
Comment: PM2, PVS1

GeneDx
Classification: Pathogenic. Last evaluated: 2019-01-11. Review status: criteria provided, single submitter. Criteria: GeneDx Variant Classification (06012015). Collection method: clinical testing. Allele origin: germline. Affected: yes.
Comment: The c.2457delA variant in the PHKB gene has not been reported previously as a pathogenic variant nor as a benign variant, to our knowledge. The c.2457delA variant causes a frameshift starting with codon Glutamic Acid 820, changes this amino acid to a Lysine residue, and creates a premature Stop codon at position 11 of the new reading frame, denoted p.Glu820LysfsX11. This variant is predicted to cause loss of normal protein function either through protein truncation or nonsense-mediated mRNA decay. The c.2457delA variant is not observed in large population cohorts (Lek et al., 2016). We interpret c.2457delA as a pathogenic variant.

Literature cited by the submitters: PubMed 9215682 (cited by Labcorp Genetics (formerly Invitae), Labcorp); PubMed 9326319 (cited by Labcorp Genetics (formerly Invitae), Labcorp).